The following is an entry in ClinVar:

NM_024422.6(DSC2):c.1399G>C (p.Glu467Gln)

Gene: DSC2 (desmocollin 2; minus strand). Cytogenetic location: 18q12.1.
Variant type: single nucleotide variant.
Coding change: c.1399G>C on transcript NM_024422.6 (MANE Select); coding-DNA position 1399, G replaced by C.
Protein change: p.Glu467Gln; replaces glutamic acid 467 with glutamine.
Molecular consequence: missense variant.
Genome position (GRCh38, 1-based): chr18:31,080,217, C>G on the plus strand (G>C on the coding strand, the complement: DSC2 is on the minus strand). VCF-style: chr18-31080217-C-G. GRCh37 (hg19) VCF-style: chr18-28660183-C-G.
Other names: c.1399G>C, p.Glu467Gln (NM_004949.5); short protein forms E467Q.
Identifiers: ClinVar variation 920712 (VCV000920712.8), dbSNP rs1208470556, ClinGen allele CA402108583.

ClinVar aggregate classification (germline): Uncertain significance. Review status: criteria provided, multiple submitters, no conflicts (2 of 4 stars). 2 submissions from 2 submitters: Uncertain significance (2). Last evaluated 2024-12-26.

Conditions:
Cardiomyopathy (CMYO). Also called: Cardiomyopathies. Identifiers: Orphanet 167848, MedGen C0878544, MONDO:0004994, HP:0001638. Inheritance: Various modes of inheritance.
Arrhythmogenic right ventricular dysplasia 11. Also called: ARRHYTHMOGENIC RIGHT VENTRICULAR DYSPLASIA, FAMILIAL, 11; Arrhythmogenic Right Ventricular Dysplasia/Cardiomyopathy11; Arrhythmogenic right ventricular dysplasia 11 with mild palmoplantar keratoderma and woolly hair. Identifiers: MedGen C1864850, MONDO:0012506, OMIM 610476.

Allele frequency attached by ClinVar (database versions not stated): gnomAD 0.00001; gnomAD exomes below 0.00001.
gnomAD v4.1: 6 of 1,613,994 alleles (0.00037%); highest among the groups gnomAD compares: Middle Eastern, 0.049%; 1 homozygote.

Submissions (2):

Labcorp Genetics (formerly Invitae), Labcorp
Classification: Uncertain significance for Arrhythmogenic right ventricular dysplasia 11. Last evaluated: 2024-12-26. Review status: criteria provided, single submitter. Criteria: Invitae Variant Classification Sherloc (09022015). Collection method: clinical testing. Allele origin: germline.
Comment: This sequence change replaces glutamic acid, which is acidic and polar, with glutamine, which is neutral and polar, at codon 467 of the DSC2 protein (p.Glu467Gln). This variant is present in population databases (no rsID available, gnomAD no frequency). This variant has not been reported in the literature in individuals affected with DSC2-related conditions. ClinVar contains an entry for this variant (Variation ID: 920712). Invitae Evidence Modeling of protein sequence and biophysical properties (such as structural, functional, and spatial information, amino acid conservation, physicochemical variation, residue mobility, and thermodynamic stability) indicates that this missense variant is expected to disrupt DSC2 protein function with a positive predictive value of 80%. In summary, the available evidence is currently insufficient to determine the role of this variant in disease. Therefore, it has been classified as a Variant of Uncertain Significance.

Color Diagnostics, LLC DBA Color Health
Classification: Uncertain significance for Cardiomyopathy. Last evaluated: 2024-03-06. Review status: criteria provided, single submitter. Criteria: ACMG Guidelines, 2015. Collection method: clinical testing. Allele origin: germline.
Comment: This missense variant replaces glutamic acid with glutamine at codon 467 of the DSC2 protein. Computational prediction suggests that this variant may not impact protein structure and function (internally defined REVEL score threshold <= 0.5, PMID: 27666373). To our knowledge, functional studies have not been reported for this variant. This variant has not been reported in individuals affected with cardiovascular disorders in the literature. This variant has been identified in 1/31394 chromosomes in the general population by the Genome Aggregation Database (gnomAD). The available evidence is insufficient to determine the role of this variant in disease conclusively. Therefore, this variant is classified as a Variant of Uncertain Significance.